The following is an entry in ClinVar:

NM_000557.5(GDF5):c.992del (p.Arg331fs)

Genes: GDF5 (growth differentiation factor 5; minus strand), GDF5-AS1 (GDF5 antisense RNA 1; plus strand). Cytogenetic location: 20q11.22.
Variant type: Deletion.
Coding change: c.992del on transcript NM_000557.5 (MANE Select); coding-DNA position 992, one base deleted (G; older notation c.992delG).
Protein change: p.Arg331fs; shifts the reading frame from arginine 331.
Molecular consequence: frameshift variant. On other transcripts: non-coding transcript variant (1).
Genome position (GRCh38, 1-based): chr20:35,434,423, C deleted on the plus strand (G on the coding strand, the reverse complement: GDF5 is on the minus strand). VCF-style (leftmost placement, unchanged base first): chr20-35434422-GC-G. GRCh37 (hg19) VCF-style: chr20-34022220-GC-G.
Other names: c.992del, p.Arg331fs (NM_001319138.2); short protein forms R331fs.
Identifiers: ClinVar variation 1074614 (VCV001074614.11), dbSNP rs2146579283, ClinGen allele CA2499225736.

ClinVar aggregate classification (germline): Pathogenic. Review status: criteria provided, multiple submitters, no conflicts (2 of 4 stars). 2 submissions from 2 submitters: Pathogenic (2). Last evaluated 2024-07-24.

Conditions:
Brachydactyly type C (BDC). Identifiers: Orphanet 93384, MedGen C1862103, MONDO:0007221, OMIM 113100, HP:0009373.

Submissions (2):

Institute of Human Genetics, University of Leipzig Medical Center
Classification: Pathogenic for Brachydactyly type C. Last evaluated: 2024-07-24. Review status: criteria provided, single submitter. Criteria: ACMG Guidelines, 2015. Collection method: clinical testing. Allele origin: paternal. Inheritance: Autosomal dominant inheritance. Affected: yes.
Comment: Criteria applied: PVS1,PM2,PS4_SUP

Labcorp Genetics (formerly Invitae), Labcorp
Classification: Pathogenic. Last evaluated: 2020-07-25. Review status: criteria provided, single submitter. Criteria: Invitae Variant Classification Sherloc (09022015). Collection method: clinical testing. Allele origin: germline.
Comment: For these reasons, this variant has been classified as Pathogenic. This variant disrupts the C-terminus of the GDF5 protein. Other variant(s) that disrupt this region (p.Ala382Profs*71) have been determined to be pathogenic (PMID: 12900894). This suggests that variants that disrupt this region of the protein are likely to be causative of disease. This variant has not been reported in the literature in individuals with GDF5-related conditions. This variant is not present in population databases (ExAC no frequency). This sequence change results in a premature translational stop signal in the GDF5 gene (p.Arg331Profs*122). While this is not anticipated to result in nonsense mediated decay, it is expected to disrupt the last 171 amino acids of the GDF5 protein.

Literature cited by the submitters: PubMed 12900894 (cited by Labcorp Genetics (formerly Invitae), Labcorp).